The following is an entry in ClinVar:

NM_005592.4(MUSK):c.2365G>A (p.Gly789Ser)

Gene: MUSK (muscle associated receptor tyrosine kinase; plus strand). Cytogenetic location: 9q31.3.
Variant type: single nucleotide variant.
Coding change: c.2365G>A on transcript NM_005592.4 (MANE Select); coding-DNA position 2365, G replaced by A.
Protein change: p.Gly789Ser; replaces glycine 789 with serine.
Molecular consequence: missense variant.
Genome position (GRCh38, 1-based): chr9:110,800,743, G>A. VCF-style: chr9-110800743-G-A. GRCh37 (hg19) VCF-style: chr9-113563023-G-A.
Other names: c.2107G>A, p.Gly703Ser (NM_001166280.2); c.2077G>A, p.Gly693Ser (NM_001166281.2); c.1105G>A, p.Gly369Ser (NM_001369398.1); short protein forms G789S, G693S, G703S, G369S.
Identifiers: ClinVar variation 374195 (VCV000374195.7), dbSNP rs1057518966, ClinGen allele CA16043436.
Genomic context (GRCh38, chr9:110,800,743, plus strand): 5'-ATGCCACCAGAGTCCATTTTTTATAACCGCTACACTACAGAGTCTGATGTGTGGGCCTAT[G>A]GCGTGGTCCTCTGGGAGATCTTCTCCTATGGCCTGCAGCCCTACTATGGGATGGCCCATG-3'
Protein context (NP_005583.1, residues 779-799): YTTESDVWAY[Gly789Ser]VVLWEIFSYG

ClinVar aggregate classification (germline): Conflicting classifications of pathogenicity. Review status: criteria provided, conflicting classifications (1 of 4 stars). 3 submissions from 2 submitters: Likely pathogenic (2); Uncertain significance (1). Last evaluated 2021-10-04.

Conditions:
Fetal akinesia deformation sequence 1 (FADS1). Also called: Pena-Shokeir syndrome type I; Fetal akinesia sequence. Identifiers: Orphanet 994, MedGen C1276035, MONDO:0100101, OMIM 208150, HP:0001989.
Delayed gross motor development. Identifiers: MedGen C1837658, HP:0002194.
Bilateral ptosis. Identifiers: MedGen C1865916, HP:0001488.
Stridor. Identifiers: MedGen C0038450, HP:0010307.
Respiratory insufficiency. Identifiers: MedGen C0035229, HP:0002093.

Allele frequency attached by ClinVar (database versions not stated): gnomAD exomes below 0.00001.
gnomAD v4.1: 1 of 1,613,996 alleles (0.000062%); highest among the groups gnomAD compares: Non-Finnish European, 0.000085%; no homozygotes.

Submissions (3):

Revvity Omics, Revvity
Classification: Uncertain significance. Last evaluated: 2021-10-04. Review status: criteria provided, single submitter. Criteria: ACMG Guidelines, 2015. Collection method: clinical testing. Allele origin: germline.

Centre for Mendelian Genomics, University Medical Centre Ljubljana
Classification: Likely pathogenic for Fetal akinesia deformation sequence 1. Last evaluated: 2016-01-01. Review status: criteria provided, single submitter. Criteria: ACMG Guidelines, 2015. Collection method: clinical testing. Allele origin: unknown. Affected: yes.
Comment: This variant was classified as: Likely pathogenic.

Centre for Mendelian Genomics, University Medical Centre Ljubljana
Classification: Likely pathogenic for Bilateral ptosis; Delayed gross motor development; Respiratory insufficiency; Stridor. Last evaluated: 2014-06-06. Review status: criteria provided, single submitter. Criteria: ACMG Guidelines, 2015. Collection method: clinical testing. Allele origin: unknown. Affected: yes.